The following is an entry in ClinVar:

ClinVar aggregate classification (germline): Uncertain significance. Review status: criteria provided, multiple submitters, no conflicts (2 of 4 stars). 3 submissions from 3 submitters: Uncertain significance (3). Last evaluated 2025-08-05.

Conditions:
Dilated cardiomyopathy 1Y (CMD1Y). Identifiers: Orphanet 154, Orphanet 54260, MedGen C2678476, MONDO:0012744, OMIM 611878.
Hypertrophic cardiomyopathy 3. Also called: TPM1-Related Familial Hypertrophic Cardiomyopathy. Identifiers: MedGen C1861863, MONDO:0007267, OMIM 115196.
Hypertrophic cardiomyopathy. Also called: HYPERTROPHIC MYOCARDIOPATHY. Identifiers: Orphanet 217569, MedGen C0007194, MeSH D002312, MONDO:0005045, HP:0001639.

gnomAD v4.1: 1 of 1,614,250 alleles (0.000062%); highest among the groups gnomAD compares: Non-Finnish European, 0.000085%; no homozygotes.

Submissions (3):

GeneDx
Classification: Uncertain significance. Last evaluated: 2025-08-05. Review status: criteria provided, single submitter. Criteria: GeneDx Variant Classification Process June 2021. Collection method: clinical testing. Allele origin: germline. Affected: yes.
Comment: Identified in a patient with DCM in published literature (PMID: 30871747); Not observed at significant frequency in large population cohorts (gnomAD); In silico analysis supports that this missense variant has a deleterious effect on protein structure/function; This variant is associated with the following publications: (PMID: 38874371, 30871747)

Labcorp Genetics (formerly Invitae), Labcorp
Classification: Uncertain significance for Hypertrophic cardiomyopathy. Last evaluated: 2024-07-01. Review status: criteria provided, single submitter. Criteria: Invitae Variant Classification Sherloc (09022015). Collection method: clinical testing. Allele origin: germline.
Comment: This sequence change replaces isoleucine, which is neutral and non-polar, with threonine, which is neutral and polar, at codon 253 of the TPM1 protein (p.Ile253Thr). This variant is not present in population databases (gnomAD no frequency). This missense change has been observed in individual(s) with dilated cardiomyopathy (PMID: 30871747, 31179125). An algorithm developed to predict the effect of missense changes on protein structure and function (PolyPhen-2) suggests that this variant is likely to be disruptive. In summary, the available evidence is currently insufficient to determine the role of this variant in disease. Therefore, it has been classified as a Variant of Uncertain Significance.

Juno Genomics, Hangzhou Juno Genomics, Inc
Classification: Uncertain significance for Dilated cardiomyopathy 1Y; Hypertrophic cardiomyopathy 3. Review status: criteria provided, single submitter. Criteria: ACMG Guidelines, 2015. Collection method: clinical testing. Allele origin: germline. Affected: yes.
Comment: Absent from controls (or at extremely low frequency if recessive) in Genome Aggregation Database, Exome Sequencing Project, 1000 Genomes Project, or Exome Aggregation Consortium.;Multiple lines of computational evidence support a deleterious effect on the gene or gene product (conservation, evolutionary, splicing impact, etc).;The prevalence of the variant in affected individuals is significantly increased compared to the prevalence in controls.

Literature cited by the submitters: PubMed 30871747 (cited by Labcorp Genetics (formerly Invitae), Labcorp); PubMed 31179125 (cited by Labcorp Genetics (formerly Invitae), Labcorp).

NM_001018005.2(TPM1):c.758T>C (p.Ile253Thr)

Gene: TPM1 (tropomyosin 1; plus strand). Cytogenetic location: 15q22.2.
Variant type: single nucleotide variant.
Coding change: c.758T>C on transcript NM_001018005.2 (MANE Select); coding-DNA position 758, T replaced by C.
Protein change: p.Ile253Thr; replaces isoleucine 253 with threonine.
Molecular consequence: missense variant. On other transcripts: non-coding transcript variant (17).
Genome position (GRCh38, 1-based): chr15:63,062,631, T>C. VCF-style: chr15-63062631-T-C. GRCh37 (hg19) VCF-style: chr15-63354830-T-C.
Other names: c.758T>C, p.Ile253Thr (NM_000366.6, NM_001018004.2, NM_001018006.2 and 20 more transcripts); c.650T>C, p.Ile217Thr (NM_001018008.2, NM_001301289.2, NM_001330344.2 and 9 more transcripts); c.884T>C, p.Ile295Thr (NM_001365778.1, NM_001407322.1, NM_001407323.1 and 1 more transcripts); c.758T>C (NM_001018005.1); short protein forms I217T, I253T, I295T.
Identifiers: ClinVar variation 3382227 (VCV003382227.5).